The following is an entry in ClinVar:

ClinVar aggregate classification (germline): Uncertain significance. Review status: criteria provided, multiple submitters, no conflicts (2 of 4 stars). 3 submissions from 3 submitters: Uncertain significance (3). Last evaluated 2026-04-06.

Conditions:
Hereditary cancer-predisposing syndrome. Also called: Tumor predisposition; Hereditary neoplastic syndrome; Neoplastic Syndromes, Hereditary; Hereditary Cancer Syndrome. Identifiers: Orphanet 140162, MedGen C0027672, MeSH D009386, MONDO:0015356.
Familial adenomatous polyposis 1 (FAP1). Also called: POLYPOSIS, ADENOMATOUS INTESTINAL; FAMILIAL ADENOMATOUS POLYPOSIS 1, ATTENUATED. Identifiers: MedGen C2713442, MONDO:0021056, OMIM 175100. Disease mechanism: loss of function.

Submissions (3):

Ambry Genetics
Classification: Uncertain significance for Hereditary cancer-predisposing syndrome. Last evaluated: 2026-04-06. Review status: criteria provided, single submitter. Criteria: Ambry Variant Classification Scheme 2023. Collection method: clinical testing. Allele origin: germline.
Comment: The p.N818I variant (also known as c.2453A>T), located in coding exon 15 of the APC gene, results from an A to T substitution at nucleotide position 2453. The asparagine at codon 818 is replaced by isoleucine, an amino acid with dissimilar properties. This amino acid position is conserved. In addition, in silico predictors for this gene do not accurately predict pathogenicity. Based on the available evidence, the clinical significance of this variant remains unclear.

Labcorp Genetics (formerly Invitae), Labcorp
Classification: Uncertain significance for Familial adenomatous polyposis 1. Last evaluated: 2021-01-26. Review status: criteria provided, single submitter. Criteria: Invitae Variant Classification Sherloc (09022015). Collection method: clinical testing. Allele origin: germline.
Comment: In summary, the available evidence is currently insufficient to determine the role of this variant in disease. Therefore, it has been classified as a Variant of Uncertain Significance. Algorithms developed to predict the effect of missense changes on protein structure and function are either unavailable or do not agree on the potential impact of this missense change (SIFT: "Deleterious"; PolyPhen-2: "Benign"; Align-GVGD: "Class C0"). This variant has not been reported in the literature in individuals with APC-related conditions. ClinVar contains an entry for this variant (Variation ID: 489423). This variant is not present in population databases (ExAC no frequency). This sequence change replaces asparagine with isoleucine at codon 818 of the APC protein (p.Asn818Ile). The asparagine residue is highly conserved and there is a large physicochemical difference between asparagine and isoleucine.

Color Diagnostics, LLC DBA Color Health
Classification: Uncertain significance for Hereditary cancer-predisposing syndrome. Last evaluated: 2019-03-25. Review status: criteria provided, single submitter. Criteria: ACMG Guidelines, 2015. Collection method: clinical testing. Allele origin: germline.

NM_000038.6(APC):c.2453A>T (p.Asn818Ile)

Gene: APC (APC regulator of Wnt signaling pathway; plus strand). Cytogenetic location: 5q22.2.
Variant type: single nucleotide variant.
Coding change: c.2453A>T on transcript NM_000038.6 (MANE Select); coding-DNA position 2453, A replaced by T.
Protein change: p.Asn818Ile; replaces asparagine 818 with isoleucine.
Molecular consequence: missense variant.
Genome position (GRCh38, 1-based): chr5:112,838,047, A>T. VCF-style: chr5-112838047-A-T. GRCh37 (hg19) VCF-style: chr5-112173744-A-T.
Other names: c.2453A>T, p.Asn818Ile (NM_001127510.3, NM_001354895.2); c.2399A>T, p.Asn800Ile (NM_001127511.3); c.2507A>T, p.Asn836Ile (NM_001354896.2); c.2483A>T, p.Asn828Ile (NM_001354897.2); c.2378A>T, p.Asn793Ile (NM_001354898.2); c.2369A>T, p.Asn790Ile (NM_001354899.2); c.2330A>T, p.Asn777Ile (NM_001354900.2); c.2276A>T, p.Asn759Ile (NM_001354901.2); and 5 more; short protein forms N800I, N818I, N535I, N717I, N727I, N759I, N836I, N658I.
Identifiers: ClinVar variation 489423 (VCV000489423.15), dbSNP rs1554084177, ClinGen allele CA16026721.
Genomic context (GRCh38, chr5:112,838,047, plus strand): 5'-ATTATGTTTTTGACACCAATCGACATGATGATAATAGGTCAGACAATTTTAATACTGGCA[A>T]CATGACTGTCCTTTCACCATATTTGAATACTACAGTGTTACCCAGCTCCTCTTCATCAAG-3'
Protein context (NP_000029.2, residues 808-828): DNRSDNFNTG[Asn818Ile]MTVLSPYLNT